The following is an entry in ClinVar:

ClinVar aggregate classification (germline): Benign/Likely benign. Review status: criteria provided, multiple submitters, no conflicts (2 of 4 stars). 9 submissions from 9 submitters: Benign (8); Likely benign (1). Last evaluated 2026-06-08.

Conditions:
Autosomal recessive nonsyndromic hearing loss 8 (DFNB8). Also called: Deafness, autosomal recessive 10; NEUROSENSORY NONSYNDROMIC RECESSIVE DEAFNESS 8. Identifiers: Orphanet 90636, MedGen C1832827, MONDO:0010987, OMIM 601072.

Allele frequency attached by ClinVar (database versions not stated): ESP Exome Variant Server 0.16308; gnomAD 0.17560 and 0.18780; TOPMed 0.18400; gnomAD exomes 0.22366 and 0.23838; ExAC 0.23580; 1000 Genomes Project 30x 0.25750; 1000 Genomes Project 0.26897.
gnomAD v4.1: 356,710 of 1,613,162 alleles (22%); highest among the groups gnomAD compares: East Asian, 55%; 44,497 homozygotes.

Submissions (9):

Women's Health and Genetics/Laboratory Corporation of America, LabCorp
Classification: Benign. Last evaluated: 2026-06-08. Review status: criteria provided, single submitter. Criteria: LabCorp Variant Classification Summary - May 2015. Collection method: clinical testing. Allele origin: germline.

Blueprint Genetics
Classification: Likely benign. Last evaluated: 2024-11-28. Review status: criteria provided, single submitter. Criteria: ACMG Guidelines, 2015. Collection method: clinical testing. Allele origin: germline.

Genome-Nilou Lab
Classification: Benign for Autosomal recessive nonsyndromic hearing loss 8. Last evaluated: 2021-09-10. Review status: criteria provided, single submitter. Criteria: ACMG Guidelines, 2015. Collection method: clinical testing. Allele origin: germline. Affected: no.

Mayo Clinic Laboratories, Mayo Clinic
Classification: Benign. Last evaluated: 2020-07-02. Review status: criteria provided, single submitter. Criteria: ACMG Guidelines, 2015. Collection method: clinical testing. Allele origin: germline. Observed: 57 variant alleles.

Illumina Laboratory Services, Illumina
Classification: Benign for Autosomal recessive nonsyndromic hearing loss 8. Last evaluated: 2018-01-13. Review status: criteria provided, single submitter. Criteria: ICSL Variant Classification Criteria 13 December 2019. Collection method: clinical testing. Allele origin: germline.
Comment: This variant was observed in the ICSL laboratory as part of a predisposition screen in an ostensibly healthy population. It had not been previously curated by ICSL or reported in the Human Gene Mutation Database (HGMD: prior to June 1st, 2018), and was therefore a candidate for classification through an automated scoring system. Utilizing variant allele frequency, disease prevalence and penetrance estimates, and inheritance mode, an automated score was calculated to assess if this variant is too frequent to cause the disease. Based on the score and internal cut-off values, a variant classified as benign is not then subjected to further curation. The score for this variant resulted in a classification of benign for this disease.

GeneDx
Classification: Benign. Last evaluated: 2017-05-09. Review status: criteria provided, single submitter. Criteria: GeneDx Variant Classification Process June 2021. Collection method: clinical testing. Allele origin: germline. Affected: yes.

Laboratory for Molecular Medicine, Mass General Brigham Personalized Medicine
Classification: Benign. Last evaluated: 2011-06-03. Review status: criteria provided, single submitter. Criteria: LMM Criteria. Collection method: clinical testing. Allele origin: germline. Observed: 802 variant alleles.
Comment: This variant is a high-frequency polymorphism (MAF up to 62%) recorded by dbSNP (rs13047838) in over 20 populations. It is also listed as a clinically-associate d, non-pathogenic variant.

Breakthrough Genomics
Classification: Benign. Review status: criteria provided, single submitter. Criteria: ACMG Guidelines, 2015. Collection method: not provided. Allele origin: germline. Inheritance: Autosomal recessive inheritance. Affected: yes.

PreventionGenetics, part of Exact Sciences
Classification: Benign. Review status: criteria provided, single submitter. Criteria: ACMG Guidelines, 2015. Collection method: clinical testing. Allele origin: germline.

Literature cited by the submitters: PubMed 11137999 (cited by Laboratory for Molecular Medicine, Mass General Brigham Personalized Medicine); PubMed 16021470 (cited by Laboratory for Molecular Medicine, Mass General Brigham Personalized Medicine).

NM_001256317.3(TMPRSS3):c.*2G>A

Gene: TMPRSS3 (transmembrane serine protease 3; minus strand). Cytogenetic location: 21q22.3.
Variant type: single nucleotide variant.
Coding change: c.*2G>A on transcript NM_001256317.3 (MANE Select); 2 bases downstream of the stop codon, G replaced by A.
Molecular consequence: 3 prime UTR variant.
Genome position (GRCh38, 1-based): chr21:42,372,760, C>T on the plus strand (G>A on the coding strand, the complement: TMPRSS3 is on the minus strand). VCF-style: chr21-42372760-C-T. GRCh37 (hg19) VCF-style: chr21-43792869-C-T.
Other names: c.*2G>A; c.*2G>A (NM_024022.4, NM_032404.3, NM_024022.3).
Identifiers: ClinVar variation 46089 (VCV000046089.18), dbSNP rs13047838, ClinGen allele CA137667.